The following is an entry in ClinVar:

ClinVar aggregate classification (germline): Uncertain significance. Review status: criteria provided, multiple submitters, no conflicts (2 of 4 stars). 2 submissions from 2 submitters: Uncertain significance (2). Last evaluated 2024-02-13.

Conditions:
Inborn genetic diseases. Identifiers: MedGen C0950123, MeSH D030342.

Allele frequency attached by ClinVar (database versions not stated): gnomAD exomes below 0.00001; gnomAD 0.00002; TOPMed 0.00002; ExAC 0.00009.
gnomAD v4.1: 11 of 1,541,958 alleles (0.00071%); highest among the groups gnomAD compares: East Asian, 0.0051%; no homozygotes.

Submissions (2):

Ambry Genetics
Classification: Uncertain significance for Inborn genetic diseases. Last evaluated: 2024-02-13. Review status: criteria provided, single submitter. Criteria: Ambry Variant Classification Scheme 2023. Collection method: clinical testing. Allele origin: germline.

Labcorp Genetics (formerly Invitae), Labcorp
Classification: Uncertain significance. Last evaluated: 2022-03-12. Review status: criteria provided, single submitter. Criteria: Invitae Variant Classification Sherloc (09022015). Collection method: clinical testing. Allele origin: germline.
Comment: This sequence change replaces valine, which is neutral and non-polar, with isoleucine, which is neutral and non-polar, at codon 1597 of the APC2 protein (p.Val1597Ile). This variant is not present in population databases (gnomAD no frequency). This variant has not been reported in the literature in individuals affected with APC2-related conditions. Algorithms developed to predict the effect of missense changes on protein structure and function (SIFT, PolyPhen-2, Align-GVGD) all suggest that this variant is likely to be tolerated. In summary, the available evidence is currently insufficient to determine the role of this variant in disease. Therefore, it has been classified as a Variant of Uncertain Significance.

NM_005883.3(APC2):c.4789G>A (p.Val1597Ile)

Gene: APC2 (APC regulator of WNT signaling pathway 2; plus strand). Cytogenetic location: 19p13.3.
Variant type: single nucleotide variant.
Coding change: c.4789G>A on transcript NM_005883.3 (MANE Select); coding-DNA position 4789, G replaced by A.
Protein change: p.Val1597Ile; replaces valine 1597 with isoleucine.
Molecular consequence: missense variant.
Genome position (GRCh38, 1-based): chr19:1,468,090, G>A. VCF-style: chr19-1468090-G-A. GRCh37 (hg19) VCF-style: chr19-1468089-G-A.
Other names: c.4786G>A, p.Val1596Ile (NM_001351273.1); c.4789G>A (NM_005883.2); short protein forms V1596I, V1597I.
Identifiers: ClinVar variation 2108735 (VCV002108735.2), dbSNP rs769619698, ClinGen allele CA9045921.
Genomic context (GRCh38, chr19:1,468,090, plus strand): 5'-TACTCCCTGAGCTCCTCCGCCAGCTCCCTCAGCGAGCCCGAGCCCTCGGAGCCGCCGGCC[G>A]TCCATCCACGAGGCCGGGAGCCCGCGGTCACCAAGGACCCGGGCCCAGGAGGCGGACGCG-3'
Protein context (NP_005874.1, residues 1587-1607): SEPEPSEPPA[Val1597Ile]HPRGREPAVT